The following is an entry in ClinVar:

NM_000260.4(MYO7A):c.2382C>T (p.Phe794=)

Gene: MYO7A (myosin VIIA; plus strand). Cytogenetic location: 11q13.5.
Variant type: single nucleotide variant.
Coding change: c.2382C>T on transcript NM_000260.4 (MANE Select); coding-DNA position 2382, C replaced by T.
Protein change: p.Phe794=; no amino-acid change (phenylalanine 794 retained).
Molecular consequence: synonymous variant.
Genome position (GRCh38, 1-based): chr11:77,179,749, C>T. VCF-style: chr11-77179749-C-T. GRCh37 (hg19) VCF-style: chr11-76890795-C-T.
Other names: c.2382C>T, p.Phe794= (NM_001127180.2); c.2349C>T, p.Phe783= (NM_001369365.1).
Identifiers: ClinVar variation 798966 (VCV000798966.17), dbSNP rs970183279, ClinGen allele CA224841003.

ClinVar aggregate classification (germline): Conflicting classifications of pathogenicity. Review status: criteria provided, conflicting classifications (1 of 4 stars). 4 submissions from 4 submitters: Uncertain significance (1); Likely benign (3). Last evaluated 2025-09-02.

Conditions:
MYO7A-related disorder. Also called: MYO7A-related disorders.

Allele frequency attached by ClinVar (database versions not stated): gnomAD exomes below 0.00001 and 0.00002; gnomAD 0.00001; TOPMed 0.00002.
gnomAD v4.1: 7 of 1,543,704 alleles (0.00045%); highest among the groups gnomAD compares: East Asian, 0.012%; no homozygotes.

Submissions (4):

GeneDx
Classification: Uncertain significance. Last evaluated: 2025-09-02. Review status: criteria provided, single submitter. Criteria: GeneDx Variant Classification Process June 2021. Collection method: clinical testing. Allele origin: germline. Affected: yes.
Comment: In silico analysis supports that this variant does not alter splicing; Has not been previously published as pathogenic or benign to our knowledge

PreventionGenetics, part of Exact Sciences
Classification: Likely benign for MYO7A-related condition. Last evaluated: 2024-11-19. Review status: criteria provided, single submitter. Criteria: ACMG Guidelines, 2015. Collection method: clinical testing. Allele origin: germline.
Comment: This variant is classified as likely benign based on ACMG/AMP sequence variant interpretation guidelines (Richards et al. 2015 PMID: 25741868, with internal and published modifications).

Labcorp Genetics (formerly Invitae), Labcorp
Classification: Likely benign. Last evaluated: 2024-05-20. Review status: criteria provided, single submitter. Criteria: Invitae Variant Classification Sherloc (09022015). Collection method: clinical testing. Allele origin: germline.

Laboratory for Molecular Medicine, Mass General Brigham Personalized Medicine
Classification: Likely benign. Last evaluated: 2020-05-27. Review status: criteria provided, single submitter. Criteria: LMM Criteria. Collection method: clinical testing. Allele origin: germline. Observed: 1 variant allele.
Comment: The p.Phe794Phe variant in MYO7A is classified as likely benign because it does not alter an amino acid residue, is not located within the splice consensus site, and computational splice prediction tools do not predict an impact on splicing. It has been identified in 0.02% (3/12904) of East Asian chromosomes by gnomAD. . ACMG/AMP Criteria applied: BP4, BP7, PM2_Supporting.